The following is an entry in ClinVar:

ClinVar aggregate classification (germline): Pathogenic. Review status: reviewed by expert panel (3 of 4 stars). 2 submissions from 2 submitters: Pathogenic (1). 1 of the submissions does not count toward it. Last evaluated 2016-10-18.

Conditions:
Breast-ovarian cancer, familial, susceptibility to, 1 (BROVCA1). Also called: OVARIAN CANCER, SUSCEPTIBILITY TO; BRCA1 Hereditary Breast and Ovarian Cancer. Identifiers: Orphanet 145, MedGen C2676676, MONDO:0011450, OMIM 604370. Disease mechanism: loss of function.

Submissions (2):

Evidence-based Network for the Interpretation of Germline Mutant Alleles (ENIGMA)
Classification: Pathogenic for Breast-ovarian cancer, familial, susceptibility to, 1. Last evaluated: 2016-10-18. Review status: reviewed by expert panel. Criteria: ENIGMA BRCA1/2 Classification Criteria (2015). Collection method: curation. Allele origin: germline.
Comment: Variant allele predicted to encode a truncated non-functional protein.

Consortium of Investigators of Modifiers of BRCA1/2 (CIMBA), c/o University of Cambridge
Classification: Pathogenic for Breast-ovarian cancer, familial, susceptibility to, 1. Last evaluated: 2015-10-02. Review status: criteria provided, single submitter. Criteria: CIMBA Mutation Classification guidelines May 2016. Collection method: clinical testing. Allele origin: germline. Not counted in ClinVar's aggregate classification.

NM_007294.4(BRCA1):c.1936del (p.Ser646fs)

Gene: BRCA1 (BRCA1 DNA repair associated; minus strand). Cytogenetic location: 17q21.31.
Variant type: Deletion.
Coding change: c.1936del on transcript NM_007294.4 (MANE Select); coding-DNA position 1936, one base deleted (A; older notation c.1936delA).
Protein change: p.Ser646fs; shifts the reading frame from serine 646.
Molecular consequence: frameshift variant. On other transcripts: intron variant (137).
Genome position (GRCh38, 1-based): chr17:43,093,595, T deleted on the plus strand (A on the coding strand, the reverse complement: BRCA1 is on the minus strand). VCF-style (leftmost placement, unchanged base first): chr17-43093594-CT-C. GRCh37 (hg19) VCF-style: chr17-41245611-CT-C.
Other names: 2055delA; c.1726del, p.Ser576fs (NM_001407908.1, NM_001407909.1, NM_001407910.1 and 13 more transcripts); c.1723del, p.Ser575fs (NM_001407915.1, NM_001407916.1, NM_001407917.1 and 9 more transcripts); c.1813del, p.Ser605fs (NM_001407919.1, NM_001407937.1, NM_001407938.1 and 19 more transcripts); c.1672del, p.Ser558fs (NM_001407920.1, NM_001407921.1, NM_001407922.1 and 9 more transcripts); c.1669del, p.Ser557fs (NM_001407930.1, NM_001407931.1, NM_001407932.1 and 2 more transcripts); c.1810del, p.Ser604fs (NM_001407940.1, NM_001407941.1, NM_001407649.1 and 11 more transcripts); c.1795del, p.Ser599fs (NM_001407942.1, NM_001407944.1, NM_001407945.1 and 29 more transcripts); and 41 more; short protein forms S599fs, S646fs, S350fs, S575fs, S579fs, S604fs, S519fs, S534fs.
Identifiers: ClinVar variation 54405 (VCV000054405.7), dbSNP rs397508919, ClinGen allele CA001281.
Genomic context (GRCh38, chr17:43,093,594, plus strand): 5'-AGGTTTCTGCTGTGCCTGACTGGCATTTGGTTGTACTTTTTTTTCTTTATCTCTTCACTG[CT>C]AGAACAACTATCAATTTGCAATTCAGTACAATTAGGTGGGCTTAGATTTCTACTGACTAC-3'